The following is an entry in ClinVar:

NM_013275.6(ANKRD11):c.5102C>T (p.Thr1701Ile)

Gene: ANKRD11 (ankyrin repeat domain 11; minus strand). Cytogenetic location: 16q24.3.
Variant type: single nucleotide variant.
Coding change: c.5102C>T on transcript NM_013275.6 (MANE Select); coding-DNA position 5102, C replaced by T.
Protein change: p.Thr1701Ile; replaces threonine 1701 with isoleucine.
Molecular consequence: missense variant.
Genome position (GRCh38, 1-based): chr16:89,281,440, G>A on the plus strand (C>T on the coding strand, the complement: ANKRD11 is on the minus strand). VCF-style: chr16-89281440-G-A. GRCh37 (hg19) VCF-style: chr16-89347848-G-A.
Other names: c.5102C>T, p.Thr1701Ile (NM_001256182.2, NM_001256183.2); short protein forms T1701I.
Identifiers: ClinVar variation 1703404 (VCV001703404.3), dbSNP rs2034236820, ClinGen allele CA397155615.
Genomic context (GRCh38, chr16:89,281,440, plus strand): 5'-GTGTGCATCACCTCCTCGTAGCTGGGGCAGGATAGCACCGACGTAGGGGTGGGCACGCCA[G>A]TGGGCCGGCTCTGGTCAGGCCTGGGGGACGCAGGCAGGACCTCTTTCATGTGAGGGCCTG-3'
Protein context (NP_037407.4, residues 1691-1711): ASPRPDQSRP[Thr1701Ile]GVPTPTSVLS

ClinVar aggregate classification (germline): Uncertain significance (1 of 4 stars; one submission).

Submission:

GeneDx
Classification: Uncertain significance. Last evaluated: 2022-10-18. Review status: criteria provided, single submitter. Criteria: GeneDx Variant Classification Process June 2021. Collection method: clinical testing. Allele origin: germline.
Comment: Not observed at significant frequency in large population cohorts (gnomAD); In silico analysis supports that this missense variant does not alter protein structure/function; Has not been previously published as pathogenic or benign to our knowledge